The following is an entry in ClinVar:

ClinVar aggregate classification (germline): Conflicting classifications of pathogenicity. Review status: criteria provided, conflicting classifications (1 of 4 stars). 3 submissions from 3 submitters: Uncertain significance (2); Likely benign (1). Last evaluated 2025-10-15.

Conditions:
Neuropathy, hereditary sensory, type 2C. Also called: Hereditary sensory and autonomic neuropathy type IIC; KIF1A-Related HSAN2 (HSAN2C). Identifiers: Orphanet 970, MedGen C3280168, MONDO:0013634, OMIM 614213.
Intellectual disability, autosomal dominant 9 (NESCAVS). Also called: KIF1A-Related Neurodevelopmental Disorder; NESCAV SYNDROME. Identifiers: Orphanet 662367, MedGen C5393830, MONDO:0013656, OMIM 614255.
Hereditary spastic paraplegia 30. Identifiers: Orphanet 101010, MedGen C5235139, MONDO:0012476.

Allele frequency attached by ClinVar (database versions not stated): gnomAD 0.00001; ExAC 0.00002; gnomAD exomes 0.00002; TOPMed 0.00002.
gnomAD v4.1: 24 of 1,613,628 alleles (0.0015%); highest among the groups gnomAD compares: Admixed American, 0.0033%; no homozygotes.

Submissions (3):

Labcorp Genetics (formerly Invitae), Labcorp
Classification: Likely benign for Hereditary spastic paraplegia 30; Neuropathy, hereditary sensory, type 2C; Intellectual disability, autosomal dominant 9. Last evaluated: 2025-10-15. Review status: criteria provided, single submitter. Criteria: Invitae Variant Classification Sherloc (09022015). Collection method: clinical testing. Allele origin: germline.

Institute for Clinical Genetics, University Hospital TU Dresden, University Hospital TU Dresden
Classification: Uncertain significance. Last evaluated: 2023-03-31. Review status: criteria provided, single submitter. Criteria: ACMG Guidelines, 2015. Collection method: clinical testing. Allele origin: paternal.
Comment: PM2_SUP

GeneDx
Classification: Uncertain significance. Last evaluated: 2022-02-10. Review status: criteria provided, single submitter. Criteria: GeneDx Variant Classification Process June 2021. Collection method: clinical testing. Allele origin: germline. Affected: yes.
Comment: In silico analysis supports that this missense variant does not alter protein structure/function; Has not been previously published as pathogenic or benign to our knowledge

NM_001244008.2(KIF1A):c.3776G>A (p.Arg1259His)

Genes: KIF1A (kinesin family member 1A; minus strand), LOC126806583 (P300/CBP strongly-dependent group 1 enhancer GRCh37_chr2:241678910-241680109; plus strand). Cytogenetic location: 2q37.3.
Variant type: single nucleotide variant.
Coding change: c.3776G>A on transcript NM_001244008.2 (MANE Select); coding-DNA position 3776, G replaced by A.
Protein change: p.Arg1259His; replaces arginine 1259 with histidine.
Molecular consequence: missense variant.
Genome position (GRCh38, 1-based): chr2:240,740,338, C>T on the plus strand (G>A on the coding strand, the complement: KIF1A is on the minus strand). VCF-style: chr2-240740338-C-T. GRCh37 (hg19) VCF-style: chr2-241679755-C-T.
Other names: c.3500G>A, p.Arg1167His (NM_001320705.2, NM_001330289.2, NM_001379638.1); c.3575G>A, p.Arg1192His (NM_001330290.2, NM_001379634.1, NM_001379635.1 and 1 more transcripts); c.3851G>A, p.Arg1284His (NM_001379631.1); c.3725G>A, p.Arg1242His (NM_001379632.1); c.3749G>A, p.Arg1250His (NM_001379633.1, NM_001379642.1, NM_001379645.1); c.3473G>A, p.Arg1158His (NM_001379636.1, NM_001379639.1, NM_001379641.1 and 5 more transcripts); c.3548G>A, p.Arg1183His (NM_001379637.1, NM_001379648.1); c.3470G>A, p.Arg1157His (NM_001379640.1); short protein forms R1157H, R1158H, R1167H, R1183H, R1192H, R1242H, R1250H, R1259H.
Identifiers: ClinVar variation 1005458 (VCV001005458.10), dbSNP rs761077237, ClinGen allele CA2207648.